The following is an entry in ClinVar:

NM_005732.4(RAD50):c.2128G>C (p.Asp710His)

Gene: RAD50 (RAD50 double strand break repair protein; plus strand). Cytogenetic location: 5q31.1.
Variant type: single nucleotide variant.
Coding change: c.2128G>C on transcript NM_005732.4 (MANE Select); coding-DNA position 2128, G replaced by C.
Protein change: p.Asp710His; replaces aspartic acid 710 with histidine.
Molecular consequence: missense variant.
Genome position (GRCh38, 1-based): chr5:132,595,731, G>C. VCF-style: chr5-132595731-G-C. GRCh37 (hg19) VCF-style: chr5-131931423-G-C.
Other names: short protein forms D710H.
Identifiers: ClinVar variation 3942198 (VCV003942198.1).

ClinVar aggregate classification (germline): Uncertain significance (1 of 4 stars; one submission).

Conditions:
Hereditary cancer-predisposing syndrome. Also called: Tumor predisposition; Hereditary neoplastic syndrome; Hereditary Cancer Syndrome; Neoplastic Syndromes, Hereditary. Identifiers: Orphanet 140162, MedGen C0027672, MeSH D009386, MONDO:0015356.

gnomAD v4.1: 4 of 1,613,716 alleles (0.00025%); highest among the groups gnomAD compares: Non-Finnish European, 0.00034%; no homozygotes.

Submission:

Ambry Genetics
Classification: Uncertain significance for Hereditary cancer-predisposing syndrome. Last evaluated: 2025-05-20. Review status: criteria provided, single submitter. Criteria: Ambry Variant Classification Scheme 2023. Collection method: clinical testing. Allele origin: germline.
Comment: The p.D710H variant (also known as c.2128G>C), located in coding exon 13 of the RAD50 gene, results from a G to C substitution at nucleotide position 2128. The aspartic acid at codon 710 is replaced by histidine, an amino acid with similar properties. This amino acid position is conserved. In addition, the in silico prediction for this alteration is inconclusive. Based on the available evidence, the clinical significance of this variant remains unclear.